The following is an entry in ClinVar:

ClinVar aggregate classification (germline): Likely benign (1 of 4 stars; one submission).

Conditions:
Leigh syndrome (NULS). Also called: Leigh's necrotizing encephalopathy; Leigh's disease; Leigh Syndrome (mtDNA deletion); Leigh Disease; Subacute necrotizing encephalopathy; Necrotizing encephalopathy infantile subacute of Leigh. Identifiers: Orphanet 506, MedGen C2931891, MONDO:0009723, OMIM 256000.

Submission:

Wong Mito Lab, Molecular and Human Genetics, Baylor College of Medicine
Classification: Likely benign for Leigh syndrome. Last evaluated: 2019-10-17. Review status: criteria provided, single submitter. Criteria: Modified ACMG Guidelines (Unpublished). Collection method: clinical testing. Allele origin: germline.
Comment: The NC_012920.1:m.12367A>G (YP_003024036.1:p.Thr11Ala) variant in MTND5 gene is interpretated to be a Likely Benign variant based on the modified ACMG guidelines (unpublished). This variant meets the following evidence codes: BS4, BP4

NC_012920.1(MT-ND5):m.12367A>G

Gene: MT-ND5 (mitochondrially encoded NADH dehydrogenase 5; plus strand).
Variant type: single nucleotide variant.
Genome position: chrM-12367-A-G.
Identifiers: ClinVar variation 693427 (VCV000693427.1), dbSNP rs1603223696, ClinGen allele CA414812839.